The following is an entry in ClinVar:

NM_000214.3(JAG1):c.886+5G>A

Gene: JAG1 (jagged canonical Notch ligand 1; minus strand). Cytogenetic location: 20p12.2.
Variant type: single nucleotide variant.
Coding change: c.886+5G>A on transcript NM_000214.3 (MANE Select); 5 bases into the intron after coding-DNA position 886, G replaced by A.
Molecular consequence: intron variant.
Genome position (GRCh38, 1-based): chr20:10,652,463, C>T on the plus strand (G>A on the coding strand, the complement: JAG1 is on the minus strand). VCF-style: chr20-10652463-C-T. GRCh37 (hg19) VCF-style: chr20-10633111-C-T.
Other names: c.886+5G>A (LRG_1191t1).
Identifiers: ClinVar variation 468664 (VCV000468664.6), dbSNP rs1173329664, ClinGen allele CA634801965.
Genomic context (GRCh38, chr20:10,652,463, plus strand): 5'-AGAAACCAAATTAGTGCCATCCCACCCCCAGATCCCACCCTGGGTCTCATCCCTAAGGGC[C>T]ATACCTTTGTCACAGAGCTGGCCGCCCCAGTTGGTCTCACAGAGGCACTGCCAGGGCTCA-3'

ClinVar aggregate classification (germline): Uncertain significance (1 of 4 stars; one submission).

Conditions:
Alagille syndrome due to a JAG1 point mutation. Also called: HEPATIC DUCTULAR HYPOPLASIA, SYNDROMATIC; Alagille Syndrome 1; JAG1-Related Alagille Syndrome. Identifiers: Orphanet 261619, Orphanet 52, MedGen C1956125, MONDO:0016862, OMIM 118450.

Allele frequency attached by ClinVar (database versions not stated): TOPMed 0.00002.
gnomAD v4.1: 1 of 1,614,104 alleles (0.000062%); no homozygotes.

Submission:

Labcorp Genetics (formerly Invitae), Labcorp
Classification: Uncertain significance for Alagille syndrome due to a JAG1 point mutation. Last evaluated: 2024-10-23. Review status: criteria provided, single submitter. Criteria: Invitae Variant Classification Sherloc (09022015). Collection method: clinical testing. Allele origin: germline.
Comment: This sequence change falls in intron 6 of the JAG1 gene. It does not directly change the encoded amino acid sequence of the JAG1 protein. It affects a nucleotide within the consensus splice site. This variant is not present in population databases (gnomAD no frequency). This variant has not been reported in the literature in individuals affected with JAG1-related conditions. ClinVar contains an entry for this variant (Variation ID: 468664). Variants that disrupt the consensus splice site are a relatively common cause of aberrant splicing (PMID: 17576681, 9536098). Algorithms developed to predict the effect of sequence changes on RNA splicing suggest that this variant is not likely to affect RNA splicing. In summary, the available evidence is currently insufficient to determine the role of this variant in disease. Therefore, it has been classified as a Variant of Uncertain Significance.

Literature cited by the submitters: PubMed 17576681; PubMed 9536098.